The following is an entry in ClinVar:

ClinVar aggregate classification (germline): Uncertain significance. Review status: criteria provided, multiple submitters, no conflicts (2 of 4 stars). 2 submissions from 2 submitters: Uncertain significance (2). Last evaluated 2025-07-27.

Conditions:
Hereditary cancer-predisposing syndrome. Also called: Hereditary Cancer Syndrome; Neoplastic Syndromes, Hereditary; Tumor predisposition; Hereditary neoplastic syndrome. Identifiers: Orphanet 140162, MedGen C0027672, MeSH D009386, MONDO:0015356.

Submissions (2):

Labcorp Genetics (formerly Invitae), Labcorp
Classification: Uncertain significance. Last evaluated: 2025-07-27. Review status: criteria provided, single submitter. Criteria: Invitae Variant Classification Sherloc (09022015). Collection method: clinical testing. Allele origin: germline.
Comment: This sequence change replaces tryptophan, which is neutral and slightly polar, with cysteine, which is neutral and slightly polar, at codon 1685 of the POLE protein (p.Trp1685Cys). This variant is not present in population databases (gnomAD no frequency). This variant has not been reported in the literature in individuals affected with POLE-related conditions. ClinVar contains an entry for this variant (Variation ID: 1745062). Invitae Evidence Modeling of protein sequence and biophysical properties (such as structural, functional, and spatial information, amino acid conservation, physicochemical variation, residue mobility, and thermodynamic stability) indicates that this missense variant is expected to disrupt POLE protein function with a positive predictive value of 80%. Algorithms developed to predict the effect of sequence changes on RNA splicing suggest that this variant may disrupt the consensus splice site. In summary, the available evidence is currently insufficient to determine the role of this variant in disease. Therefore, it has been classified as a Variant of Uncertain Significance.

Ambry Genetics
Classification: Uncertain significance for Hereditary cancer-predisposing syndrome. Last evaluated: 2021-11-06. Review status: criteria provided, single submitter. Criteria: Ambry Variant Classification Scheme 2023. Collection method: clinical testing. Allele origin: germline.
Comment: The p.W1685C variant (also known as c.5055G>T), located in coding exon 38 of the POLE gene, results from a G to T substitution at nucleotide position 5055. The tryptophan at codon 1685 is replaced by cysteine, an amino acid with highly dissimilar properties. This amino acid position is conserved. In addition, this alteration is predicted to be deleterious by in silico analysis. Since supporting evidence is limited at this time, the clinical significance of this alteration remains unclear.

NM_006231.4(POLE):c.5055G>T (p.Trp1685Cys)

Gene: POLE (DNA polymerase epsilon, catalytic subunit; minus strand). Cytogenetic location: 12q24.33.
Variant type: single nucleotide variant.
Coding change: c.5055G>T on transcript NM_006231.4 (MANE Select); coding-DNA position 5055, G replaced by T.
Protein change: p.Trp1685Cys; replaces tryptophan 1685 with cysteine.
Molecular consequence: missense variant.
Genome position (GRCh38, 1-based): chr12:132,642,295, C>A on the plus strand (G>T on the coding strand, the complement: POLE is on the minus strand). VCF-style: chr12-132642295-C-A. GRCh37 (hg19) VCF-style: chr12-133218881-C-A.
Other names: short protein forms W1685C.
Identifiers: ClinVar variation 1745062 (VCV001745062.3), dbSNP rs2138530596, ClinGen allele CA387377109.
Genomic context (GRCh38, chr12:132,642,295, plus strand): 5'-GACAAGACAGTTGTCATCAGCCTCCTTTCCACCCAGGTCAGGGCGGGCTGTAGGGGACAG[C>A]CAGAGCAGGTGGTTGTGGCGCTGGAGGTGGCGGGCAAAGAAGAGGTCGGAGCCGAATGTG-3'
Protein context (NP_006222.2, residues 1675-1695): RHLQRHNHLL[Trp1685Cys]LSPTARPDLG